The following is an entry in ClinVar:

NM_001110219.3(GJB6):c.460T>A (p.Phe154Ile)

Gene: GJB6 (gap junction protein beta 6; minus strand). Cytogenetic location: 13q12.11.
Variant type: single nucleotide variant.
Coding change: c.460T>A on transcript NM_001110219.3 (MANE Select); coding-DNA position 460, T replaced by A.
Protein change: p.Phe154Ile; replaces phenylalanine 154 with isoleucine.
Molecular consequence: missense variant.
Genome position (GRCh38, 1-based): chr13:20,223,021, A>T on the plus strand (T>A on the coding strand, the complement: GJB6 is on the minus strand). VCF-style: chr13-20223021-A-T. GRCh37 (hg19) VCF-style: chr13-20797160-A-T.
Other names: c.460T>A, p.Phe154Ile (NM_001110220.3, NM_001110221.3, NM_001370090.1 and 3 more transcripts); short protein forms F154I.
Identifiers: ClinVar variation 2927205 (VCV002927205.3), dbSNP rs1001540278, ClinGen allele CA246490748.
Genomic context (GRCh38, chr13:20,223,021, plus strand): 5'-AGGGGTCAATCCCACATTTCAACACCCAGGGCAGGTGGTACCCATTGTAAAGGAAGTAAA[A>T]CACATACATAAAGGCTGCTTCAAAGATGATTCGGAAAAAGATGCTGCTGGTGTACGTCCA-3'
Protein context (NP_001103689.1, residues 144-164): IIFEAAFMYV[Phe154Ile]YFLYNGYHLP

ClinVar aggregate classification (germline): Uncertain significance (1 of 4 stars; one submission).

Conditions:
Autosomal dominant nonsyndromic hearing loss 3B. Identifiers: Orphanet 90635, MedGen C2675237, MONDO:0012975, OMIM 612643.
Autosomal recessive nonsyndromic hearing loss 1A (DFNB1A). Also called: Connexin 26 deafness; Deafness nonsyndromic, Connexin 26 linked; GJB6-Related DFNB 1 Nonsyndromic Hearing Loss and Deafness; Deafness, autosomal recessive 1A; Nonsyndromic Hearing Loss and Deafness, DFNB1; GJB2-Related Autosomal Recessive Nonsyndromic Hearing Loss. Identifiers: Orphanet 90636, MedGen C2673759, MONDO:0009076, OMIM 220290.
Autosomal recessive nonsyndromic hearing loss 1B. Also called: DEAFNESS, AUTOSOMAL RECESSIVE 1B. Identifiers: Orphanet 90636, MedGen C2675235, MONDO:0012977, OMIM 612645.
Hidrotic ectodermal dysplasia syndrome (GJB6). Also called: CLOUSTON HIDROTIC ECTODERMAL DYSPLASIA; Ectodermal dysplasia 2, hidrotic; Autosomal dominant hidrotic ectodermal dysplasia; Clouston syndrome; Clouston's hidrotic ectodermal dysplasia; ECTODERMAL DYSPLASIA 2, CLOUSTON TYPE. Identifiers: Orphanet 189, MedGen C0162361, MONDO:0007510, OMIM 129500.

Allele frequency attached by ClinVar (database versions not stated): gnomAD exomes below 0.00001.
gnomAD v4.1: 3 of 1,614,192 alleles (0.00019%); highest among the groups gnomAD compares: Non-Finnish European, 0.00017%; no homozygotes.

Submission:

Labcorp Genetics (formerly Invitae), Labcorp
Classification: Uncertain significance for Autosomal dominant nonsyndromic hearing loss 3B; Hidrotic ectodermal dysplasia syndrome; Autosomal recessive nonsyndromic hearing loss 1B; Autosomal recessive nonsyndromic hearing loss 1A. Last evaluated: 2023-02-11. Review status: criteria provided, single submitter. Criteria: Invitae Variant Classification Sherloc (09022015). Collection method: clinical testing. Allele origin: germline.
Comment: This sequence change replaces phenylalanine, which is neutral and non-polar, with isoleucine, which is neutral and non-polar, at codon 154 of the GJB6 protein (p.Phe154Ile). This variant is not present in population databases (gnomAD no frequency). This missense change has been observed in individual(s) with GJB6-related conditions (PMID: 29739340). Advanced modeling of protein sequence and biophysical properties (such as structural, functional, and spatial information, amino acid conservation, physicochemical variation, residue mobility, and thermodynamic stability) performed at Invitae indicates that this missense variant is not expected to disrupt GJB6 protein function. In summary, the available evidence is currently insufficient to determine the role of this variant in disease. Therefore, it has been classified as a Variant of Uncertain Significance.

Literature cited by the submitters: PubMed 29739340.